The following is an entry in ClinVar:

NM_016507.4(CDK12):c.1757C>T (p.Pro586Leu)

Gene: CDK12 (cyclin dependent kinase 12; plus strand). Cytogenetic location: 17q12.
Variant type: single nucleotide variant.
Coding change: c.1757C>T on transcript NM_016507.4 (MANE Select); coding-DNA position 1757, C replaced by T.
Protein change: p.Pro586Leu; replaces proline 586 with leucine.
Molecular consequence: missense variant.
Genome position (GRCh38, 1-based): chr17:39,471,589, C>T. VCF-style: chr17-39471589-C-T. GRCh37 (hg19) VCF-style: chr17-37627842-C-T.
Other names: c.1757C>T, p.Pro586Leu (NM_015083.4); short protein forms P586L.
Identifiers: ClinVar variation 4224226 (VCV004224226.1).

ClinVar aggregate classification (germline): Uncertain significance (1 of 4 stars; one submission).

gnomAD v4.1: 3 of 1,614,114 alleles (0.00019%); highest among the groups gnomAD compares: Non-Finnish European, 0.00025%; no homozygotes.

Submission:

Ambry Genetics
Classification: Uncertain significance. Last evaluated: 2025-06-25. Review status: criteria provided, single submitter. Criteria: Ambry Variant Classification Scheme 2023. Collection method: clinical testing. Allele origin: germline.
Comment: The p.P586L variant (also known as c.1757C>T), located in coding exon 2 of the CDK12 gene, results from a C to T substitution at nucleotide position 1757. The proline at codon 586 is replaced by leucine, an amino acid with similar properties. This amino acid position is conserved. In addition, this alteration is predicted to be tolerated by in silico analysis. Based on the available evidence, the clinical significance of this variant remains unclear.